The following is an entry in ClinVar:

NM_001130438.3(SPTAN1):c.1738C>T (p.Arg580Cys)

Gene: SPTAN1 (spectrin alpha, non-erythrocytic 1; plus strand). Cytogenetic location: 9q34.11.
Variant type: single nucleotide variant.
Coding change: c.1738C>T on transcript NM_001130438.3 (MANE Select); coding-DNA position 1738, C replaced by T.
Protein change: p.Arg580Cys; replaces arginine 580 with cysteine.
Molecular consequence: missense variant.
Genome position (GRCh38, 1-based): chr9:128,582,781, C>T. VCF-style: chr9-128582781-C-T. GRCh37 (hg19) VCF-style: chr9-131345060-C-T.
Other names: c.1738C>T, p.Arg580Cys (NM_001195532.2, NM_001363759.2, NM_001363765.2 and 10 more transcripts); c.1774C>T, p.Arg592Cys (NM_001375312.2, NM_001375318.1, NM_001438440.1); short protein forms R580C, R592C.
Identifiers: ClinVar variation 4772030 (VCV004772030.1).

ClinVar aggregate classification (germline): Uncertain significance (1 of 4 stars; one submission).

Conditions:
Early-infantile DEE. Also called: Early infantile epileptic encephalopathy; Ohtahara syndrome; Early infantile epileptic encephalopathy with suppression bursts. Identifiers: Orphanet 1934, MedGen C0393706, MONDO:0800491.

gnomAD v4.1: 1 of 1,613,994 alleles (0.000062%); highest among the groups gnomAD compares: Non-Finnish European, 0.000085%; no homozygotes.

Submission:

Labcorp Genetics (formerly Invitae), Labcorp
Classification: Uncertain significance for Early-infantile DEE. Last evaluated: 2025-09-14. Review status: criteria provided, single submitter. Criteria: Invitae Variant Classification Sherloc (09022015). Collection method: clinical testing. Allele origin: germline.
Comment: This sequence change replaces arginine, which is basic and polar, with cysteine, which is neutral and slightly polar, at codon 580 of the SPTAN1 protein (p.Arg580Cys). This variant is not present in population databases (gnomAD no frequency). This variant has not been reported in the literature in individuals affected with SPTAN1-related conditions. Invitae Evidence Modeling of protein sequence and biophysical properties (such as structural, functional, and spatial information, amino acid conservation, physicochemical variation, residue mobility, and thermodynamic stability) has been performed for this missense variant. However, the output from this modeling did not meet the statistical confidence thresholds required to predict the impact of this variant on SPTAN1 protein function. In summary, the available evidence is currently insufficient to determine the role of this variant in disease. Therefore, it has been classified as a Variant of Uncertain Significance.